The following is an entry in ClinVar:

NM_006206.6(PDGFRA):c.2526_2537del (p.Ile843_Asp846del)

Gene: PDGFRA (platelet derived growth factor receptor alpha; plus strand). Cytogenetic location: 4q12.
Variant type: Deletion.
Coding change: c.2526_2537del on transcript NM_006206.6 (MANE Select); coding-DNA positions 2526 to 2537, 12 bases deleted (CATCATGCATGA).
Protein change: p.Ile843_Asp846del.
Molecular consequence: inframe deletion.
Genome position (GRCh38, 1-based): chr4:54,285,927-54,285,938, CATCATGCATGA deleted; deleting any 12 consecutive bases within chr4:54,285,925-54,285,938 gives the same sequence; the c. name uses the placement nearest the transcript's 3' end. VCF-style (leftmost placement, unchanged base first): chr4-54285924-AGACATCATGCAT-A. GRCh37 (hg19) VCF-style: chr4-55152091-AGACATCATGCAT-A.
Other names: Del DIMH842-845; 4-CODON DEL, 842DIMH; c.2601_2612del, p.Ile868_Asp871del (NM_001347828.2); c.2526_2537del, p.Ile843_Asp846del (NM_001347829.2); c.2565_2576del, p.Ile856_Asp859del (NM_001347830.2).
Identifiers: ClinVar variation 13544 (VCV000013544.4), dbSNP rs1553906053, ClinGen allele CA123197.
Genomic context (GRCh38, chr4:54,285,924, plus strand): 5'-TCGCAACGTCCTCCTGGCACAAGGAAAAATTGTGAAGATCTGTGACTTTGGCCTGGCCAG[AGACATCATGCAT>A]GATTCGAACTATGTGTCGAAAGGCAGTGTACGTCCTCACTTCCCTCACTGGTCAGGCTCA-3'

ClinVar aggregate classification (germline): Conflicting classifications of pathogenicity. Review status: no assertion criteria provided (0 of 4 stars). 2 submissions from 2 submitters: Pathogenic (1); Uncertain significance (1). Last evaluated 2003-01-31.
ClinVar aggregate classification (somatic clinical impact): Tier I - Strong (1 of 4 stars; one submission).

Conditions:
Gastrointestinal stromal tumor. Also called: Gastrointestinal stromal tumor, somatic; Gastrointestinal stroma tumor. Identifiers: Orphanet 44890, MedGen C0238198, MeSH D046152, MONDO:0011719, OMIM 606764, HP:0100723.
Diffuse midline glioma, H3 K27M-mutant. Identifiers: MedGen C4289688, MONDO:0957196.

Submissions (3):

Institute for Genomic Medicine (IGM) Clinical Laboratory, Nationwide Children's Hospital
Classification: Tier I - Strong for Diffuse midline glioma, H3 K27M-mutant. Assertion type: diagnostic. Clinical significance: supports diagnosis. Last evaluated: 2025-02-25. Review status: criteria provided, single submitter. Criteria: AMP/ASCO/CAP Guidelines, 2017. Collection method: clinical testing. Allele origin: somatic. Affected: yes.
Comment: Variant has Tier I (strong) clinical significance as a diagnostic inclusion criterion in diffuse midline glioma, H3 K27M-mutant, based on the following evidence: 1) Documented in one or more cancer databases (e.g., St. Jude Pecan, COSMIC, CIViC, OncoKB). 2) Appears in one or more well-established professional guidelines (e.g., World Health Organization [WHO]; National Comprehensive Cancer Network [NCCN]) as providing diagnostic, prognostic, or therapeutic information. 3) Information in the literature supports potential biologic effect of variant (PMIDs: 15928335, 12522257, 22745105). 4) Diagnostic for a specific tumor type/classification based on well-powered studies with expert-level consensus (Evidence Level B; PMIDs: 24705251, 25230881, 27582545, 28966033, 29763623).

OMIM
Classification: Pathogenic for GASTROINTESTINAL STROMAL TUMOR, SOMATIC. Last evaluated: 2003-01-31. Review status: no assertion criteria provided. Collection method: literature only. Allele origin: somatic.

Department of Pathology and Laboratory Medicine, Sinai Health System
Classification: Uncertain significance. Review status: no assertion criteria provided. Collection method: clinical testing. Allele origin: unknown. Affected: yes. Observed: 1 variant allele. Study: The Canadian Open Genetics Repository (COGR).

Literature cited by the submitters: PubMed 15928335 (cited by Institute for Genomic Medicine (IGM) Clinical Laboratory, Nationwide Children's Hospital); PubMed 12522257 (cited by Institute for Genomic Medicine (IGM) Clinical Laboratory, Nationwide Children's Hospital and OMIM); PubMed 22745105 (cited by Institute for Genomic Medicine (IGM) Clinical Laboratory, Nationwide Children's Hospital); PubMed 24705251 (cited by Institute for Genomic Medicine (IGM) Clinical Laboratory, Nationwide Children's Hospital); PubMed 25230881 (cited by Institute for Genomic Medicine (IGM) Clinical Laboratory, Nationwide Children's Hospital); PubMed 27582545 (cited by Institute for Genomic Medicine (IGM) Clinical Laboratory, Nationwide Children's Hospital); PubMed 28966033 (cited by Institute for Genomic Medicine (IGM) Clinical Laboratory, Nationwide Children's Hospital); PubMed 29763623 (cited by Institute for Genomic Medicine (IGM) Clinical Laboratory, Nationwide Children's Hospital).